The following is an entry in ClinVar:

ClinVar aggregate classification (germline): Uncertain significance (1 of 4 stars; one submission).

Submission:

Labcorp Genetics (formerly Invitae), Labcorp
Classification: Uncertain significance. Last evaluated: 2022-07-03. Review status: criteria provided, single submitter. Criteria: Invitae Variant Classification Sherloc (09022015). Collection method: clinical testing. Allele origin: germline.
Comment: In summary, the available evidence is currently insufficient to determine the role of this variant in disease. Therefore, it has been classified as a Variant of Uncertain Significance. Algorithms developed to predict the effect of sequence changes on RNA splicing suggest that this variant may disrupt the consensus splice site. Algorithms developed to predict the effect of missense changes on protein structure and function output the following: SIFT: "Tolerated"; PolyPhen-2: "Benign"; Align-GVGD: "Class C0". The glutamic acid amino acid residue is found in multiple mammalian species, which suggests that this missense change does not adversely affect protein function. This variant has not been reported in the literature in individuals affected with OBSL1-related conditions. This variant is not present in population databases (gnomAD no frequency). This sequence change replaces glycine, which is neutral and non-polar, with glutamic acid, which is acidic and polar, at codon 1424 of the OBSL1 protein (p.Gly1424Glu).

NM_015311.3(OBSL1):c.4271G>A (p.Gly1424Glu)

Gene: OBSL1 (obscurin like cytoskeletal adaptor 1; minus strand). Cytogenetic location: 2q35.
Variant type: single nucleotide variant.
Coding change: c.4271G>A on transcript NM_015311.3 (MANE Select); coding-DNA position 4271, G replaced by A.
Protein change: p.Gly1424Glu; replaces glycine 1424 with glutamic acid.
Molecular consequence: missense variant.
Genome position (GRCh38, 1-based): chr2:219,556,519, C>T on the plus strand (G>A on the coding strand, the complement: OBSL1 is on the minus strand). VCF-style: chr2-219556519-C-T. GRCh37 (hg19) VCF-style: chr2-220421241-C-T.
Other names: c.4271G>A, p.Gly1424Glu (NM_001173431.2); short protein forms G1424E.
Identifiers: ClinVar variation 2125718 (VCV002125718.4), dbSNP rs2546216531, ClinGen allele CA350728243.